The following is an entry in ClinVar:

NM_000528.4(MAN2B1):c.2144C>T (p.Ser715Leu)

Gene: MAN2B1 (mannosidase alpha class 2B member 1; minus strand). Cytogenetic location: 19p13.13.
Variant type: single nucleotide variant.
Coding change: c.2144C>T on transcript NM_000528.4 (MANE Select); coding-DNA position 2144, C replaced by T.
Protein change: p.Ser715Leu; replaces serine 715 with leucine.
Molecular consequence: missense variant.
Genome position (GRCh38, 1-based): chr19:12,650,125, G>A on the plus strand (C>T on the coding strand, the complement: MAN2B1 is on the minus strand). VCF-style: chr19-12650125-G-A. GRCh37 (hg19) VCF-style: chr19-12760939-G-A.
Other names: c.2144C>T (NM_000528.3); c.2141C>T, p.Ser714Leu (NM_001173498.2); short protein forms S714L, S715L.
Identifiers: ClinVar variation 1978956 (VCV001978956.2), dbSNP rs955787667, ClinGen allele CA305462926.
Genomic context (GRCh38, chr19:12,650,125, plus strand): 5'-CCTTGCTTCCACACCCCTCTCCCAGCCTGTGCCACTCACCCCACAGGTATCGGCCCCACC[G>A]ACCACTCTAGCTCCAGGTGCCGCTGTCCTGGGTACAGGCGAACCACCTGGGAACACCAAG-3'
Protein context (NP_000519.2, residues 705-725): PGQRHLELEW[Ser715Leu]VGPIPVGDTW

ClinVar aggregate classification (germline): Uncertain significance. Review status: criteria provided, multiple submitters, no conflicts (2 of 4 stars). 2 submissions from 2 submitters: Uncertain significance (2). Last evaluated 2025-04-06.

Conditions:
Deficiency of alpha-mannosidase (MANSA). Also called: Mannosidosis, alpha-, types I and II; Alpha-Mannosidosis; LYSOSOMAL ALPHA-D-MANNOSIDASE DEFICIENCY. Identifiers: Orphanet 61, MedGen C0024748, MONDO:0009561, OMIM 248500.
Inborn genetic diseases. Identifiers: MedGen C0950123, MeSH D030342.

Allele frequency attached by ClinVar (database versions not stated): gnomAD exomes 0.00001.
gnomAD v4.1: 9 of 1,613,892 alleles (0.00056%); highest among the groups gnomAD compares: Middle Eastern, 0.016%; no homozygotes.

Submissions (2):

Ambry Genetics
Classification: Uncertain significance for Inborn genetic diseases. Last evaluated: 2025-04-06. Review status: criteria provided, single submitter. Criteria: Ambry Variant Classification Scheme 2023. Collection method: clinical testing. Allele origin: germline.

Labcorp Genetics (formerly Invitae), Labcorp
Classification: Uncertain significance for Deficiency of alpha-mannosidase. Last evaluated: 2022-08-05. Review status: criteria provided, single submitter. Criteria: Invitae Variant Classification Sherloc (09022015). Collection method: clinical testing. Allele origin: germline.
Comment: This sequence change replaces serine, which is neutral and polar, with leucine, which is neutral and non-polar, at codon 715 of the MAN2B1 protein (p.Ser715Leu). This variant is present in population databases (no rsID available, gnomAD no frequency). This variant has not been reported in the literature in individuals affected with MAN2B1-related conditions. Algorithms developed to predict the effect of missense changes on protein structure and function (SIFT, PolyPhen-2, Align-GVGD) all suggest that this variant is likely to be tolerated. In summary, the available evidence is currently insufficient to determine the role of this variant in disease. Therefore, it has been classified as a Variant of Uncertain Significance.